The following is an entry in ClinVar:

NM_207346.3(TSEN54):c.221+17C>T

Gene: TSEN54 (tRNA splicing endonuclease subunit 54; plus strand). Cytogenetic location: 17q25.1.
Variant type: single nucleotide variant.
Coding change: c.221+17C>T on transcript NM_207346.3 (MANE Select); 17 bases into the intron after coding-DNA position 221, C replaced by T.
Molecular consequence: intron variant.
Genome position (GRCh38, 1-based): chr17:75,516,927, C>T. VCF-style: chr17-75516927-C-T. GRCh37 (hg19) VCF-style: chr17-73513008-C-T.
Identifiers: ClinVar variation 510558 (VCV000510558.12), dbSNP rs556041813, ClinGen allele CA8763993.

ClinVar aggregate classification (germline): Likely benign. Review status: criteria provided, multiple submitters, no conflicts (2 of 4 stars). 4 submissions from 4 submitters: Likely benign (4). Last evaluated 2026-01-11.

Allele frequency attached by ClinVar (database versions not stated): 1000 Genomes Project 30x 0.00016; 1000 Genomes Project 0.00020; ExAC 0.00046; gnomAD 0.00052 and 0.00054; gnomAD exomes 0.00057 and 0.00091; TOPMed 0.00065.
gnomAD v4.1: 1,315 of 1,544,332 alleles (0.085%); highest among the groups gnomAD compares: Non-Finnish European, 0.11%; no homozygotes.

Submissions (4):

Labcorp Genetics (formerly Invitae), Labcorp
Classification: Likely benign. Last evaluated: 2026-01-11. Review status: criteria provided, single submitter. Criteria: Invitae Variant Classification Sherloc (09022015). Collection method: clinical testing. Allele origin: germline.

Blueprint Genetics
Classification: Likely benign. Last evaluated: 2024-11-15. Review status: criteria provided, single submitter. Criteria: ACMG Guidelines, 2015. Collection method: clinical testing. Allele origin: germline.

ARUP Laboratories, Molecular Genetics and Genomics, ARUP Laboratories
Classification: Likely benign. Last evaluated: 2024-09-17. Review status: criteria provided, single submitter. Criteria: ARUP Molecular Germline Variant Investigation Process 2024. Collection method: clinical testing. Allele origin: germline.

GeneDx
Classification: Likely benign. Last evaluated: 2017-06-28. Review status: criteria provided, single submitter. Criteria: GeneDx Variant Classification (06012015). Collection method: clinical testing. Allele origin: germline. Affected: yes.
Comment: This variant is considered likely benign or benign based on one or more of the following criteria: it is a conservative change, it occurs at a poorly conserved position in the protein, it is predicted to be benign by multiple in silico algorithms, and/or has population frequency not consistent with disease.